The following is an entry in ClinVar:

NM_000199.5(SGSH):c.539C>T (p.Pro180Leu)

Gene: SGSH (N-sulfoglucosamine sulfohydrolase; minus strand). Cytogenetic location: 17q25.3.
Variant type: single nucleotide variant.
Coding change: c.539C>T on transcript NM_000199.5 (MANE Select); coding-DNA position 539, C replaced by T.
Protein change: p.Pro180Leu; replaces proline 180 with leucine.
Molecular consequence: missense variant. On other transcripts: non-coding transcript variant (1).
Genome position (GRCh38, 1-based): chr17:80,214,296, G>A on the plus strand (C>T on the coding strand, the complement: SGSH is on the minus strand). VCF-style: chr17-80214296-G-A. GRCh37 (hg19) VCF-style: chr17-78188095-G-A.
Other names: c.539C>T, p.Pro180Leu (NM_001352921.3, NM_001352922.2); short protein forms P180L.
Identifiers: ClinVar variation 2736686 (VCV002736686.4), dbSNP rs2510890872, ClinGen allele CA401362213.

ClinVar aggregate classification (germline): Conflicting classifications of pathogenicity. Review status: criteria provided, conflicting classifications (1 of 4 stars). 2 submissions from 2 submitters: Likely pathogenic (1); Uncertain significance (1). Last evaluated 2023-07-17.

Conditions:
Mucopolysaccharidosis, MPS-III-A (MPS3A). Also called: HEPARAN SULFATE SULFATASE DEFICIENCY; SANFILIPPO SYNDROME A; SULFAMIDASE DEFICIENCY; MPS III A; Mucopolysaccharidosis type IIIA (Sanfilippo A); MUCOPOLYSACCHARIDOSIS, TYPE IIIA, ATTENUATED. Identifiers: Orphanet 581, Orphanet 79269, MedGen C0086647, MONDO:0009655, OMIM 252900.

Allele frequency attached by ClinVar (database versions not stated): gnomAD exomes below 0.00001.
gnomAD v4.1: 1 of 1,613,186 alleles (0.000062%); highest among the groups gnomAD compares: Non-Finnish European, 0.000085%; no homozygotes.

Submissions (2):

Labcorp Genetics (formerly Invitae), Labcorp
Classification: Likely pathogenic for Mucopolysaccharidosis, MPS-III-A. Last evaluated: 2023-07-17. Review status: criteria provided, single submitter. Criteria: Invitae Variant Classification Sherloc (09022015). Collection method: clinical testing. Allele origin: germline.
Comment: This missense change has been observed in individual(s) with clinical features of mucopolysaccharidosis type III (PMID: 21061399; Invitae). In at least one individual the data is consistent with being in trans (on the opposite chromosome) from a pathogenic variant. This variant is not present in population databases (gnomAD no frequency). This sequence change replaces proline, which is neutral and non-polar, with leucine, which is neutral and non-polar, at codon 180 of the SGSH protein (p.Pro180Leu). Advanced modeling of protein sequence and biophysical properties (such as structural, functional, and spatial information, amino acid conservation, physicochemical variation, residue mobility, and thermodynamic stability) performed at Invitae indicates that this missense variant is expected to disrupt SGSH protein function. In summary, the currently available evidence indicates that the variant is pathogenic, but additional data are needed to prove that conclusively. Therefore, this variant has been classified as Likely Pathogenic.

Department of Pathology and Laboratory Medicine, Sinai Health System
Classification: Uncertain significance for Mucopolysaccharidosis, MPS-III-A. Last evaluated: 2022-03-02. Review status: criteria provided, single submitter. Criteria: ACMG Guidelines, 2015. Collection method: research. Allele origin: germline.

Literature cited by the submitters: PubMed 21061399 (cited by Labcorp Genetics (formerly Invitae), Labcorp).